The following is an entry in ClinVar:

NM_021871.4(FGA):c.817G>A (p.Gly273Ser)

Gene: FGA (fibrinogen alpha chain; minus strand). Cytogenetic location: 4q31.3.
Variant type: single nucleotide variant.
Coding change: c.817G>A on transcript NM_021871.4 (MANE Select); coding-DNA position 817, G replaced by A.
Protein change: p.Gly273Ser; replaces glycine 273 with serine.
Molecular consequence: missense variant.
Genome position (GRCh38, 1-based): chr4:154,586,612, C>T on the plus strand (G>A on the coding strand, the complement: FGA is on the minus strand). VCF-style: chr4-154586612-C-T. GRCh37 (hg19) VCF-style: chr4-155507764-C-T.
Other names: c.817G>A, p.Gly273Ser (NM_000508.5); short protein forms G273S.
Identifiers: ClinVar variation 4847364 (VCV004847364.1).

ClinVar aggregate classification (germline): Uncertain significance (1 of 4 stars; one submission).

gnomAD v4.1: 1 of 1,613,970 alleles (0.000062%); no homozygotes.

Submission:

Women's Health and Genetics/Laboratory Corporation of America, LabCorp
Classification: Uncertain significance. Last evaluated: 2026-03-10. Review status: criteria provided, single submitter. Criteria: LabCorp Variant Classification Summary - May 2015. Collection method: clinical testing. Allele origin: germline.
Comment: Variant summary: FGA c.817G>A (p.Gly273Ser) results in a non-conservative amino acid change in the encoded protein sequence. Algorithms developed to predict the effect of missense changes on protein structure and function are either unavailable or do not agree on the potential impact of this missense change. The variant was absent in 251170 control chromosomes. The available data on variant occurrences in the general population are insufficient to allow any conclusion about variant significance. To our knowledge, no occurrence of c.817G>A in individuals affected with FGA-related conditions and no experimental evidence demonstrating its impact on protein function have been reported. No submitters have cited clinical-significance assessments for this variant to ClinVar. Based on the evidence outlined above, the variant was classified as uncertain significance.